The following is an entry in ClinVar:

ClinVar aggregate classification (germline): Uncertain significance (1 of 4 stars; one submission).

Submission:

Ambry Genetics
Classification: Uncertain significance. Last evaluated: 2026-04-14. Review status: criteria provided, single submitter. Criteria: Ambry Variant Classification Scheme 2023. Collection method: clinical testing. Allele origin: germline.
Comment: The c.89A>T (p.E30V) alteration is located in exon 3 (coding exon 2) of the GAGE12D gene. This alteration results from a A to T substitution at nucleotide position 89, causing the glutamic acid (E) at amino acid position 30 to be replaced by a valine (V). Based on data from gnomAD, the T allele has an overall frequency of 0.012% (1/8494) total alleles studied. The highest observed frequency was 0.027% (1/3696) of African alleles. Based on insufficient or conflicting evidence, the clinical significance of this alteration remains unclear.

NM_001127199.3(GAGE12D):c.89A>T (p.Glu30Val)

Gene: GAGE12D (G antigen 12D; plus strand). Cytogenetic location: Xp11.23.
Variant type: single nucleotide variant.
Coding change: c.89A>T on transcript NM_001127199.3 (MANE Select); coding-DNA position 89, A replaced by T.
Protein change: p.Glu30Val; replaces glutamic acid 30 with valine.
Molecular consequence: missense variant.
Genome position (GRCh38, 1-based): chrX:49,543,441, A>T. VCF-style: chrX-49543441-A-T. GRCh37 (hg19) VCF-style: chrX-49308044-A-T.
Other names: short protein forms E30V.
Identifiers: ClinVar variation 4871628 (VCV004871628.1).